The following is an entry in ClinVar:

ClinVar aggregate classification (germline): Uncertain significance (1 of 4 stars; one submission).

Submission:

Labcorp Genetics (formerly Invitae), Labcorp
Classification: Uncertain significance. Last evaluated: 2023-10-30. Review status: criteria provided, single submitter. Criteria: Invitae Variant Classification Sherloc (09022015). Collection method: clinical testing. Allele origin: germline.
Comment: This variant, c.50_52del, results in the deletion of 1 amino acid(s) of the MYH3 protein (p.Leu17del), but otherwise preserves the integrity of the reading frame. This variant is not present in population databases (gnomAD no frequency). This variant has not been reported in the literature in individuals affected with MYH3-related conditions. Experimental studies and prediction algorithms are not available or were not evaluated, and the functional significance of this variant is currently unknown. In summary, the available evidence is currently insufficient to determine the role of this variant in disease. Therefore, it has been classified as a Variant of Uncertain Significance.

NM_002470.4(MYH3):c.47TCC[1] (p.Leu17del)

Gene: MYH3 (myosin heavy chain 3; minus strand). Cytogenetic location: 17p13.1.
Variant type: Microsatellite.
Coding change: c.47TCC[1] on transcript NM_002470.4 (MANE Select); one copy of the 3-base unit TCC starting at c.47; the reference has two copies in a row; one copy, 3 bases deleted.
Protein change: p.Leu17del; deletes leucine 17.
Molecular consequence: inframe deletion.
Genome position (GRCh38, 1-based): chr17:10,655,013-10,655,015, GGA deleted on the plus strand (TCC on the coding strand, the reverse complement: MYH3 is on the minus strand); deleting any 3 consecutive bases within chr17:10,655,013-10,655,018 gives the same sequence; the position shown is the placement nearest the transcript's 3' end. VCF-style (leftmost placement, unchanged base first): chr17-10655012-CGGA-C. GRCh37 (hg19) VCF-style: chr17-10558329-CGGA-C.
Other names: short protein forms L17del.
Identifiers: ClinVar variation 2773042 (VCV002773042.3), dbSNP rs2508655393, ClinGen allele CA2697559417.
Genomic context (GRCh38, chr17:10,655,012, plus strand): 5'-CAATACGTCTTGGCATCAAAGGGCTGGTTCTGAGCCTCGATCCTCTCCTTTTCTGACTTC[CGGA>C]GGAAAGGAGCAGCTATGCCGAACACTTCCATTTCAGTGTCACTACTCATGGTGTCAGCTG-3'